The following is an entry in ClinVar:

NM_003002.4(SDHD):c.8T>C (p.Val3Ala)

Genes: SDHD (succinate dehydrogenase complex subunit D; plus strand), LOC126861339 (BRD4-independent group 4 enhancer GRCh37_chr11:111957035-111958234; plus strand). Cytogenetic location: 11q23.1.
Variant type: single nucleotide variant.
Coding change: c.8T>C on transcript NM_003002.4 (MANE Select); coding-DNA position 8, T replaced by C.
Protein change: p.Val3Ala; replaces valine 3 with alanine.
Molecular consequence: missense variant. On other transcripts: non-coding transcript variant (1).
Genome position (GRCh38, 1-based): chr11:112,086,915, T>C. VCF-style: chr11-112086915-T-C. GRCh37 (hg19) VCF-style: chr11-111957639-T-C.
Other names: c.8T>C, p.Val3Ala (NM_001276503.2, NM_001276504.2, NM_001276506.2); short protein forms V3A.
Identifiers: ClinVar variation 3223045 (VCV003223045.1), dbSNP rs1308232344, ClinGen allele CA382616626.

ClinVar aggregate classification (germline): Uncertain significance (1 of 4 stars; one submission).

Conditions:
Hereditary cancer-predisposing syndrome. Also called: Tumor predisposition; Hereditary neoplastic syndrome; Hereditary Cancer Syndrome; Neoplastic Syndromes, Hereditary. Identifiers: Orphanet 140162, MedGen C0027672, MeSH D009386, MONDO:0015356.

Submission:

Ambry Genetics
Classification: Uncertain significance for Hereditary cancer-predisposing syndrome. Last evaluated: 2024-02-14. Review status: criteria provided, single submitter. Criteria: Ambry Variant Classification Scheme 2023. Collection method: clinical testing. Allele origin: germline.
Comment: The p.V3A variant (also known as c.8T>C), located in coding exon 1 of the SDHD gene, results from a T to C substitution at nucleotide position 8. The valine at codon 3 is replaced by alanine, an amino acid with similar properties. This amino acid position is not well conserved in available vertebrate species. In addition, the in silico prediction for this alteration is inconclusive. Based on the available evidence, the clinical significance of this alteration remains unclear.